The following is an entry in ClinVar:

ClinVar aggregate classification (germline): Benign (1 of 4 stars; one submission).

Allele frequency attached by ClinVar (database versions not stated): ESP Exome Variant Server 0.00215; 1000 Genomes Project 30x 0.00359; 1000 Genomes Project 0.00399.
gnomAD v4.1: 4,781 of 1,614,170 alleles (0.3%); highest among the groups gnomAD compares: South Asian, 1.2%; 23 homozygotes.

Submission:

CeGaT Center for Human Genetics Tuebingen
Classification: Benign. Last evaluated: 2023-01-01. Review status: criteria provided, single submitter. Criteria: CeGaT Center For Human Genetics Tuebingen Variant Classification Criteria Version 2. Collection method: clinical testing. Allele origin: germline. Affected: yes. Observed: 1 variant allele.
Comment: ZNF610: BP4, BS1, BS2

NM_001161425.2(ZNF610):c.1075C>A (p.Leu359Ile)

Gene: ZNF610 (zinc finger protein 610; plus strand). Cytogenetic location: 19q13.41.
Variant type: single nucleotide variant.
Coding change: c.1075C>A on transcript NM_001161425.2 (MANE Select); coding-DNA position 1075, C replaced by A.
Protein change: p.Leu359Ile; replaces leucine 359 with isoleucine.
Molecular consequence: missense variant.
Genome position (GRCh38, 1-based): chr19:52,366,453, C>A. VCF-style: chr19-52366453-C-A. GRCh37 (hg19) VCF-style: chr19-52869706-C-A.
Other names: c.1075C>A, p.Leu359Ile (NM_001161426.2, NM_173530.3); c.946C>A, p.Leu316Ile (NM_001161427.2); short protein forms L316I, L359I.
Identifiers: ClinVar variation 2650389 (VCV002650389.24), dbSNP rs144352698, ClinGen allele CA9622755.
Genomic context (GRCh38, chr19:52,366,453, plus strand): 5'-ACGGCGGAAAAACCTTACAAATGTAATGAATGTGGCAAGGTCTTTAGTCTGCTTTCATAC[C>A]TTGCACGGCATCAAATAATTCATAGTACAGAGAAGCCCTACAAATGTAACGAATGTGGAA-3'
Protein context (NP_001154897.1, residues 349-369): CGKVFSLLSY[Leu359Ile]ARHQIIHSTE